The following is an entry in ClinVar:

ClinVar aggregate classification (germline): Uncertain significance (1 of 4 stars; one submission).

Conditions:
Gastrointestinal stromal tumor. Also called: Gastrointestinal stroma tumor; Gastrointestinal stromal tumor, somatic. Identifiers: Orphanet 44890, MedGen C0238198, MeSH D046152, MONDO:0011719, OMIM 606764, HP:0100723.

Submission:

Labcorp Genetics (formerly Invitae), Labcorp
Classification: Uncertain significance for Gastrointestinal stromal tumor. Last evaluated: 2017-02-21. Review status: criteria provided, single submitter. Criteria: Invitae Variant Classification Sherloc (09022015). Collection method: clinical testing. Allele origin: germline.
Comment: This variant is not present in population databases (ExAC no frequency) and has not been reported in the literature in individuals with a KIT-related disease. In summary, this variant is a novel missense change with uncertain impact on protein function. It has been classified as a Variant of Uncertain Significance. Algorithms developed to predict the effect of missense changes on protein structure and function do not agree on the potential impact of this missense change (SIFT: "Deleterious"; PolyPhen-2: "Benign"; Align-GVGD: "Class C0"). This sequence change replaces threonine with asparagine at codon 932 of the KIT protein (p.Thr932Asn). The threonine residue is moderately conserved and there is a small physicochemical difference between threonine and asparagine.

NM_000222.3(KIT):c.2795C>A (p.Thr932Asn)

Gene: KIT (KIT proto-oncogene, receptor tyrosine kinase; plus strand). Cytogenetic location: 4q12.
Variant type: single nucleotide variant.
Coding change: c.2795C>A on transcript NM_000222.3 (MANE Select); coding-DNA position 2795, C replaced by A.
Protein change: p.Thr932Asn; replaces threonine 932 with asparagine.
Molecular consequence: missense variant.
Genome position (GRCh38, 1-based): chr4:54,737,273, C>A. VCF-style: chr4-54737273-C-A. GRCh37 (hg19) VCF-style: chr4-55603439-C-A.
Other names: c.2783C>A, p.Thr928Asn (NM_001093772.2, NM_001385292.1); c.2798C>A, p.Thr933Asn (NM_001385284.1); c.2792C>A, p.Thr931Asn (NM_001385285.1); c.2780C>A, p.Thr927Asn (NM_001385286.1); c.2786C>A, p.Thr929Asn (NM_001385288.1); c.2795C>A, p.Thr932Asn (NM_001385290.1); short protein forms T932N, T928N, T927N, T929N, T931N, T933N.
Identifiers: ClinVar variation 458931 (VCV000458931.9), dbSNP rs1553893597, ClinGen allele CA356914589.